The following is an entry in ClinVar:

ClinVar aggregate classification (germline): Uncertain significance (1 of 4 stars; one submission).

Allele frequency attached by ClinVar (database versions not stated): gnomAD exomes below 0.00001; ExAC 0.00001.
gnomAD v4.1: 10 of 1,613,086 alleles (0.00062%); highest among the groups gnomAD compares: Non-Finnish European, 0.00085%; no homozygotes.

Submission:

Labcorp Genetics (formerly Invitae), Labcorp
Classification: Uncertain significance. Last evaluated: 2021-09-24. Review status: criteria provided, single submitter. Criteria: Invitae Variant Classification Sherloc (09022015). Collection method: clinical testing. Allele origin: germline.
Comment: This sequence change replaces glycine with aspartic acid at codon 331 of the LAMC3 protein (p.Gly331Asp). The glycine residue is highly conserved and there is a moderate physicochemical difference between glycine and aspartic acid. This variant is present in population databases (rs779066179, ExAC 0.006%). This variant has not been reported in the literature in individuals with LAMC3-related conditions. Algorithms developed to predict the effect of missense changes on protein structure and function are either unavailable or do not agree on the potential impact of this missense change (SIFT: "Tolerated"; PolyPhen-2: "Probably Damaging"; Align-GVGD: "Class C0"). In summary, the available evidence is currently insufficient to determine the role of this variant in disease. Therefore, it has been classified as a Variant of Uncertain Significance.

NM_006059.4(LAMC3):c.992G>A (p.Gly331Asp)

Gene: LAMC3 (laminin subunit gamma 3; plus strand). Cytogenetic location: 9q34.12.
Variant type: single nucleotide variant.
Coding change: c.992G>A on transcript NM_006059.4 (MANE Select); coding-DNA position 992, G replaced by A.
Protein change: p.Gly331Asp; replaces glycine 331 with aspartic acid.
Molecular consequence: missense variant.
Genome position (GRCh38, 1-based): chr9:131,038,879, G>A. VCF-style: chr9-131038879-G-A. GRCh37 (hg19) VCF-style: chr9-133914266-G-A.
Other names: short protein forms G331D.
Identifiers: ClinVar variation 1484454 (VCV001484454.5), dbSNP rs779066179, ClinGen allele CA5286900.